The following is an entry in ClinVar:

NM_021625.5(TRPV4):c.2184G>C (p.Glu728Asp)

Gene: TRPV4 (transient receptor potential cation channel subfamily V member 4; minus strand). Cytogenetic location: 12q24.11.
Variant type: single nucleotide variant.
Coding change: c.2184G>C on transcript NM_021625.5 (MANE Select); coding-DNA position 2184, G replaced by C.
Protein change: p.Glu728Asp; replaces glutamic acid 728 with aspartic acid.
Molecular consequence: missense variant.
Genome position (GRCh38, 1-based): chr12:109,788,424, C>G on the plus strand (G>C on the coding strand, the complement: TRPV4 is on the minus strand). VCF-style: chr12-109788424-C-G. GRCh37 (hg19) VCF-style: chr12-110226229-C-G.
Other names: c.2004G>C, p.Glu668Asp (NM_147204.3); c.2043G>C, p.Glu681Asp (NM_001177428.2); c.2082G>C, p.Glu694Asp (NM_001177431.2); c.1863G>C, p.Glu621Asp (NM_001177433.2); short protein forms E621D, E681D, E728D, E668D, E694D.
Identifiers: ClinVar variation 1347515 (VCV001347515.6), dbSNP rs2136440447, ClinGen allele CA386649887.

ClinVar aggregate classification (germline): Uncertain significance (1 of 4 stars; one submission).

Conditions:
Charcot-Marie-Tooth disease axonal type 2C (HMSN2C). Also called: CHARCOT-MARIE-TOOTH DISEASE, AXONAL, AUTOSOMAL DOMINANT, TYPE 2C; Charcot-Marie-Tooth Neuropathy Type 2C; Charcot-Marie-Tooth Disease Type 2, TRPV4-Related (CMT2C). Identifiers: Orphanet 99937, MedGen C1853710, MONDO:0011633, OMIM 606071.

Submission:

Labcorp Genetics (formerly Invitae), Labcorp
Classification: Uncertain significance for Charcot-Marie-Tooth disease axonal type 2C. Last evaluated: 2021-10-27. Review status: criteria provided, single submitter. Criteria: Invitae Variant Classification Sherloc (09022015). Collection method: clinical testing. Allele origin: germline.
Comment: This variant is not present in population databases (gnomAD no frequency). In summary, the available evidence is currently insufficient to determine the role of this variant in disease. Therefore, it has been classified as a Variant of Uncertain Significance. Advanced modeling of protein sequence and biophysical properties (such as structural, functional, and spatial information, amino acid conservation, physicochemical variation, residue mobility, and thermodynamic stability) performed at Invitae indicates that this missense variant is not expected to disrupt TRPV4 protein function. This variant has not been reported in the literature in individuals affected with TRPV4-related conditions. This sequence change replaces glutamic acid, a(n) acidic and polar amino acid, with aspartic acid, a(n) acidic and polar amino acid, at codon 728 of the TRPV4 protein (p.Glu728Asp).